The following is an entry in ClinVar:

NM_001958.5(EEF1A2):c.159C>T (p.Ser53=)

Gene: EEF1A2 (eukaryotic translation elongation factor 1 alpha 2; minus strand). Cytogenetic location: 20q13.33.
Variant type: single nucleotide variant.
Coding change: c.159C>T on transcript NM_001958.5 (MANE Select); coding-DNA position 159, C replaced by T.
Protein change: p.Ser53=; no amino-acid change (serine 53 retained).
Molecular consequence: synonymous variant.
Genome position (GRCh38, 1-based): chr20:63,496,021, G>A on the plus strand (C>T on the coding strand, the complement: EEF1A2 is on the minus strand). VCF-style: chr20-63496021-G-A. GRCh37 (hg19) VCF-style: chr20-62127374-G-A.
Identifiers: ClinVar variation 1598144 (VCV001598144.12), dbSNP rs766656421, ClinGen allele CA9959166.

ClinVar aggregate classification (germline): Likely benign. Review status: criteria provided, multiple submitters, no conflicts (2 of 4 stars). 2 submissions from 2 submitters: Likely benign (2). Last evaluated 2026-03-01.

Conditions:
Developmental and epileptic encephalopathy, 33 (DEE33). Also called: Epileptic encephalopathy, early infantile, 33. Identifiers: Orphanet 442835, MedGen C4225337, MONDO:0014625, OMIM 616409.

Allele frequency attached by ClinVar (database versions not stated): ExAC 0.00001; gnomAD exomes 0.00001; gnomAD 0.00002 and 0.00003; TOPMed 0.00002.
gnomAD v4.1: 26 of 1,612,554 alleles (0.0016%); highest among the groups gnomAD compares: Non-Finnish European, 0.0018%; no homozygotes.

Submissions (2):

CeGaT Center for Human Genetics Tuebingen
Classification: Likely benign. Last evaluated: 2026-03-01. Review status: criteria provided, single submitter. Criteria: CeGaT Center For Human Genetics Tuebingen Variant Classification Criteria Version 2. Collection method: clinical testing. Allele origin: germline. Affected: yes. Observed: 1 variant allele.
Comment: EEF1A2: BP4, BP7

Labcorp Genetics (formerly Invitae), Labcorp
Classification: Likely benign for Developmental and epileptic encephalopathy, 33. Last evaluated: 2025-10-28. Review status: criteria provided, single submitter. Criteria: Invitae Variant Classification Sherloc (09022015). Collection method: clinical testing. Allele origin: germline.